The following is an entry in ClinVar:

NM_001145319.2(PLS1):c.29G>A (p.Arg10Gln)

Gene: PLS1 (plastin 1; plus strand). Cytogenetic location: 3q23.
Variant type: single nucleotide variant.
Coding change: c.29G>A on transcript NM_001145319.2 (MANE Select); coding-DNA position 29, G replaced by A.
Protein change: p.Arg10Gln; replaces arginine 10 with glutamine.
Molecular consequence: missense variant.
Genome position (GRCh38, 1-based): chr3:142,664,266, G>A. VCF-style: chr3-142664266-G-A. GRCh37 (hg19) VCF-style: chr3-142383108-G-A.
Other names: c.29G>A, p.Arg10Gln (NM_001172312.2, NM_002670.3); short protein forms R10Q.
Identifiers: ClinVar variation 4989166 (VCV004989166.1).

ClinVar aggregate classification (germline): Uncertain significance (1 of 4 stars; one submission).

Conditions:
PLS1-related disorder. Also called: PLS1-related condition.

gnomAD v4.1: 23 of 1,594,300 alleles (0.0014%); highest among the groups gnomAD compares: Admixed American, 0.0068%; no homozygotes.

Submission:

PreventionGenetics, part of Exact Sciences
Classification: Uncertain significance for PLS1-related condition. Last evaluated: 2025-12-01. Review status: criteria provided, single submitter. Criteria: ACMG Guidelines, 2015. Collection method: clinical testing. Allele origin: germline.
Comment: The PLS1 c.29G>A variant is predicted to result in the amino acid substitution p.Arg10Gln. To our knowledge, this variant has not been reported in the literature. This variant is reported in 0.0090% of alleles in individuals of Latino descent in gnomAD. At this time, the clinical significance of this variant is uncertain due to the absence of conclusive functional and genetic evidence.